The following is an entry in ClinVar:

ClinVar aggregate classification (germline): Uncertain significance (1 of 4 stars; one submission).

Conditions:
Granulomatous disease, chronic, autosomal recessive, cytochrome b-positive, type 2. Also called: Chronic granulomatous disease due to deficiency of NCF-2; Chronic Granulomatous Disease, Autosomal Recessive, Cytochrome b-Positive, Type II; CGD, AUTOSOMAL RECESSIVE CYTOCHROME b-POSITIVE, TYPE II; GRANULOMATOUS DISEASE, CHRONIC, DUE TO NCF2 DEFICIENCY; GRANULOMATOUS DISEASE, CHRONIC, AUTOSOMAL RECESSIVE, 2. Identifiers: Orphanet 379, MedGen C1856245, MONDO:0009310, OMIM 233710.

Allele frequency attached by ClinVar (database versions not stated): gnomAD exomes below 0.00001 and 0.00001; ExAC 0.00001; TOPMed 0.00001.
gnomAD v4.1: 6 of 1,614,092 alleles (0.00037%); highest among the groups gnomAD compares: East Asian, 0.0022%; no homozygotes.

Submission:

Labcorp Genetics (formerly Invitae), Labcorp
Classification: Uncertain significance for Granulomatous disease, chronic, autosomal recessive, cytochrome b-positive, type 2. Last evaluated: 2019-07-04. Review status: criteria provided, single submitter. Criteria: Invitae Variant Classification Sherloc (09022015). Collection method: clinical testing. Allele origin: germline.
Comment: This sequence change replaces tyrosine with histidine at codon 125 of the NCF2 protein (p.Tyr125His). The tyrosine residue is moderately conserved and there is a moderate physicochemical difference between tyrosine and histidine. This variant is present in population databases (rs773422870, ExAC 0.01%). This variant has not been reported in the literature in individuals with NCF2-related conditions. Algorithms developed to predict the effect of missense changes on protein structure and function are either unavailable or do not agree on the potential impact of this missense change (SIFT: "Tolerated"; PolyPhen-2: "Probably Damaging"; Align-GVGD: "Class C0"). In summary, the available evidence is currently insufficient to determine the role of this variant in disease. Therefore, it has been classified as a Variant of Uncertain Significance.

NM_000433.4(NCF2):c.373T>C (p.Tyr125His)

Gene: NCF2 (neutrophil cytosolic factor 2; minus strand). Cytogenetic location: 1q25.3.
Variant type: single nucleotide variant.
Coding change: c.373T>C on transcript NM_000433.4 (MANE Select); coding-DNA position 373, T replaced by C.
Protein change: p.Tyr125His; replaces tyrosine 125 with histidine.
Molecular consequence: missense variant. On other transcripts: intron variant (2).
Genome position (GRCh38, 1-based): chr1:183,574,615, A>G on the plus strand (T>C on the coding strand, the complement: NCF2 is on the minus strand). VCF-style: chr1-183574615-A-G. GRCh37 (hg19) VCF-style: chr1-183543750-A-G.
Other names: c.373T>C, p.Tyr125His (NM_001127651.3); c.366+2984T>C (NM_001190789.2); c.367-1323T>C (NM_001190794.2); short protein forms Y125H.
Identifiers: ClinVar variation 956893 (VCV000956893.10), dbSNP rs773422870, ClinGen allele CA1284979.
Genomic context (GRCh38, chr1:183,574,615, plus strand): 5'-CTAACTGTTCTTCAGCTTTTTTCCATTCCTCCTTCTTGGCATACATGAAAGCAATGTTAT[A>G]TAACACCTAGAAAAGTACAGACCGCAACATAAAACTTGAGACTACTCCAAATCAAGGTGC-3'
Protein context (NP_000424.2, residues 115-135): QFKLFACEVL[Tyr125His]NIAFMYAKKE